The following is an entry in ClinVar:

NM_000478.6(ALPL):c.622C>T (p.Leu208Phe)

Gene: ALPL (alkaline phosphatase, biomineralization associated; plus strand). Cytogenetic location: 1p36.12.
Variant type: single nucleotide variant.
Coding change: c.622C>T on transcript NM_000478.6 (MANE Select); coding-DNA position 622, C replaced by T.
Protein change: p.Leu208Phe; replaces leucine 208 with phenylalanine.
Molecular consequence: missense variant.
Genome position (GRCh38, 1-based): chr1:21,564,190, C>T. VCF-style: chr1-21564190-C-T. GRCh37 (hg19) VCF-style: chr1-21890683-C-T.
Other names: c.457C>T, p.Leu153Phe (NM_001127501.4); c.391C>T, p.Leu131Phe (NM_001177520.3); c.622C>T, p.Leu208Phe (NM_001369803.2, NM_001369804.2, NM_001369805.2); short protein forms L131F, L153F, L208F.
Identifiers: ClinVar variation 4294345 (VCV004294345.2).

ClinVar aggregate classification (germline): Conflicting classifications of pathogenicity. Review status: criteria provided, conflicting classifications (1 of 4 stars). 2 submissions from 2 submitters: Likely pathogenic (1); Uncertain significance (1). Last evaluated 2026-09-01.

Conditions:
Hypophosphatasia. Also called: Phosphoethanol-aminuria. Identifiers: Orphanet 436, MedGen C0020630, MeSH D007014, MONDO:0018570.

gnomAD v4.1: 1 of 1,614,012 alleles (0.000062%); highest among the groups gnomAD compares: South Asian, 0.0011%; no homozygotes.

Submissions (2):

Genomenon, Inc
Classification: Uncertain significance for Hypophosphatasia. Last evaluated: 2026-09-01. Review status: criteria provided, single submitter. Criteria: Genomenon Sequence Variant Interpretation Standards - Updated. Collection method: curation. Allele origin: germline. Affected: no.
Comment: ALPL p.Leu208Phe (c.622C>T) is a missense variant that changes the amino acid at codon 208 from Leucine to Phenylalanine. This variant has been reported in the published literature (PMID:35320273). It is absent or not present at a significant frequency in gnomAD. In silico models predict that this variant is possibly or probably damaging. In conclusion, we classify ALPL p.Leu208Phe (c.622C>T) as a variant of uncertain significance.

JKU Lab, Dept of Paediatrics, Johannes Kepler University
Classification: Likely pathogenic for Hypophosphatasia. Last evaluated: 2025-06-26. Review status: criteria provided, single submitter. Criteria: ACMG Guidelines, 2015. Collection method: curation, in vitro. Allele origin: germline, not applicable. Affected: yes. Functional consequence: decreased enzyme activity.
Comment: This missense variant is present in GnomAD 4.1 (f = 0.00001098 in the South Asian population) and affects a highly conserved amino acid, not in the active site domain. The variant is predicted to affect protein function (REVEL score: 0.921). Splice-prediction algorithms predict no effect on splicing. In vitro functional studies showed reduced ALP activity without a dominant negative effect. This variant has been reported in the literature in individuals affected by ALPL-related conditions (PMID: 35320273). The results of the functional testing and the applied ACMG criteria can be viewed at an online resource

Literature cited by the submitters: PubMed 35320273 (cited by Genomenon, Inc and JKU Lab, Dept of Paediatrics, Johannes Kepler University).